The following is an entry in ClinVar:

ClinVar aggregate classification (germline): Uncertain significance (1 of 4 stars; one submission).

Submission:

Ambry Genetics
Classification: Uncertain significance. Last evaluated: 2025-05-24. Review status: criteria provided, single submitter. Criteria: Ambry Variant Classification Scheme 2023. Collection method: clinical testing. Allele origin: germline.
Comment: The p.H101R variant (also known as c.302A>G), located in coding exon 1 of the GALNT12 gene, results from an A to G substitution at nucleotide position 302. The histidine at codon 101 is replaced by arginine, an amino acid with highly similar properties. This amino acid position is conserved. In addition, the in silico prediction for this alteration is inconclusive. Based on the available evidence, the clinical significance of this variant remains unclear.

NM_024642.5(GALNT12):c.302A>G (p.His101Arg)

Gene: GALNT12 (polypeptide N-acetylgalactosaminyltransferase 12; plus strand). Cytogenetic location: 9q22.33.
Variant type: single nucleotide variant.
Coding change: c.302A>G on transcript NM_024642.5 (MANE Select); coding-DNA position 302, A replaced by G.
Protein change: p.His101Arg; replaces histidine 101 with arginine.
Molecular consequence: missense variant.
Genome position (GRCh38, 1-based): chr9:98,808,000, A>G. VCF-style: chr9-98808000-A-G. GRCh37 (hg19) VCF-style: chr9-101570282-A-G.
Other names: short protein forms H101R.
Identifiers: ClinVar variation 4028019 (VCV004028019.1).